The following is an entry in ClinVar:

NM_004304.5(ALK):c.196G>T (p.Val66Phe)

Gene: ALK (ALK receptor tyrosine kinase; minus strand). Cytogenetic location: 2p23.1.
Variant type: single nucleotide variant.
Coding change: c.196G>T on transcript NM_004304.5 (MANE Select); coding-DNA position 196, G replaced by T.
Protein change: p.Val66Phe; replaces valine 66 with phenylalanine.
Molecular consequence: missense variant.
Genome position (GRCh38, 1-based): chr2:29,920,464, C>A on the plus strand (G>T on the coding strand, the complement: ALK is on the minus strand). VCF-style: chr2-29920464-C-A. GRCh37 (hg19) VCF-style: chr2-30143330-C-A.
Other names: short protein forms V66F.
Identifiers: ClinVar variation 1783595 (VCV001783595.2), dbSNP rs2465867255, ClinGen allele CA346590504.

ClinVar aggregate classification (germline): Uncertain significance (1 of 4 stars; one submission).

Conditions:
Hereditary cancer-predisposing syndrome. Also called: Neoplastic Syndromes, Hereditary; Tumor predisposition; Hereditary Cancer Syndrome; Hereditary neoplastic syndrome. Identifiers: Orphanet 140162, MedGen C0027672, MeSH D009386, MONDO:0015356.

Submission:

Ambry Genetics
Classification: Uncertain significance for Hereditary cancer-predisposing syndrome. Last evaluated: 2022-07-08. Review status: criteria provided, single submitter. Criteria: Ambry Variant Classification Scheme 2023. Collection method: clinical testing. Allele origin: germline.
Comment: The p.V66F variant (also known as c.196G>T), located in coding exon 1 of the ALK gene, results from a G to T substitution at nucleotide position 196. The valine at codon 66 is replaced by phenylalanine, an amino acid with highly similar properties. This amino acid position is conserved. In addition, the in silico prediction for this alteration is inconclusive. Since supporting evidence is limited at this time, the clinical significance of this alteration remains unclear.